The following is an entry in ClinVar:

ClinVar aggregate classification (germline): Uncertain significance (1 of 4 stars; one submission).

Submission:

GeneDx
Classification: Uncertain significance. Last evaluated: 2024-05-09. Review status: criteria provided, single submitter. Criteria: GeneDx Variant Classification Process June 2021. Collection method: clinical testing. Allele origin: germline. Affected: yes.
Comment: Not observed at significant frequency in large population cohorts (gnomAD); In silico analysis indicates that this missense variant does not alter protein structure/function; Has not been previously published as pathogenic or benign to our knowledge

NM_006796.3(AFG3L2):c.2125T>C (p.Tyr709His)

Gene: AFG3L2 (AFG3 like matrix AAA peptidase subunit 2; minus strand). Cytogenetic location: 18p11.21.
Variant type: single nucleotide variant.
Coding change: c.2125T>C on transcript NM_006796.3 (MANE Select); coding-DNA position 2125, T replaced by C.
Protein change: p.Tyr709His; replaces tyrosine 709 with histidine.
Molecular consequence: missense variant.
Genome position (GRCh38, 1-based): chr18:12,337,391, A>G on the plus strand (T>C on the coding strand, the complement: AFG3L2 is on the minus strand). VCF-style: chr18-12337391-A-G. GRCh37 (hg19) VCF-style: chr18-12337390-A-G.
Other names: short protein forms Y709H.
Identifiers: ClinVar variation 3375665 (VCV003375665.1).
Genomic context (GRCh38, chr18:12,337,391, plus strand): 5'-TGGCACCTACCTTCTCCACGTCAGCTTTCTTTTCTGTGAGAAGAGCTACTGTTCTTTTAT[A>G]AGCATCATTAATAAGTATTCGTACTTCATCATCTATCAATCTTGCAGTGGCTTCACTGTA-3'
Protein context (NP_006787.2, residues 699-719): DEVRILINDA[Tyr709His]KRTVALLTEK